The following is an entry in ClinVar:

ClinVar aggregate classification (germline): Uncertain significance (1 of 4 stars; one submission).

Conditions:
Cataract 1 multiple types. Also called: CATARACT, DUFFY-LINKED; CATARACT 1, POSTERIOR SUBCAPSULAR, WITH MICROCORNEA; CATARACT 1, STELLATE NUCLEAR, WITH MICROCORNEA; CATARACT 1, MULTIPLE TYPES, WITH OR WITHOUT MICROCORNEA; CATARACT 1, NUCLEAR PROGRESSIVE; CATARACT 1 WITH MICROCORNEA. Identifiers: Orphanet 1377, MedGen C1861828, MONDO:0007285, OMIM 116200.

Submission:

Dept. Genetics and Cancer, Menzies Institute for Medical Research, University of Tasmania
Classification: Uncertain significance for Cataract 1 multiple types. Last evaluated: 2023-01-21. Review status: criteria provided, single submitter. Criteria: ACMG Guidelines, 2015. Collection method: curation. Allele origin: germline. Affected: yes.
Comment: Variant identified and curated during a GJA8 specific review of the literature in relation to pediatric or congenital cataract. ACMG-AMP criteria applied: PVS1(Strong), PM2(Supporting), BP4. Original variant report: PMID:36262071. The cataract phenotype reported for this variant is: Nuclear. Note: family with two GJA8 variants; compound heterozygous variants inherited together in two affected siblings, mother carries c.855delG variant and father carries c.1125delC variant and has mild nuclear cataract. Gene review and curation guidelines are outlined in: DOI 10.1080/17469899.2023.2160320

Literature cited by the submitters: PubMed 36262071.

NM_005267.5(GJA8):c.1125del (p.Gly376fs)

Gene: GJA8 (gap junction protein alpha 8; plus strand). Cytogenetic location: 1q21.2.
Variant type: Deletion.
Coding change: c.1125del on transcript NM_005267.5 (MANE Select); coding-DNA position 1125, one base deleted (C; older notation c.1125delC).
Protein change: p.Gly376fs; shifts the reading frame from glycine 376.
Molecular consequence: frameshift variant.
Genome position (GRCh38, 1-based): chr1:147,909,080, C deleted; the last of 5 consecutive C bases (chr1:147,909,076-147,909,080); deleting any one gives the same sequence. VCF-style (leftmost placement, unchanged base first): chr1-147909075-AC-A. GRCh37 (hg19) VCF-style: chr1-147381202-AC-A.
Other names: short protein forms G376fs.
Identifiers: ClinVar variation 3253678 (VCV003253678.1), dbSNP rs782786257.